The following is an entry in ClinVar:

NM_001281740.3(FHOD3):c.1499C>A (p.Ser500Tyr)

Gene: FHOD3 (formin homology 2 domain containing 3; plus strand). Cytogenetic location: 18q12.2.
Variant type: single nucleotide variant.
Coding change: c.1499C>A on transcript NM_001281740.3 (MANE Select); coding-DNA position 1499, C replaced by A.
Protein change: p.Ser500Tyr; replaces serine 500 with tyrosine.
Molecular consequence: missense variant. On other transcripts: intron variant (2).
Genome position (GRCh38, 1-based): chr18:36,652,782, C>A. VCF-style: chr18-36652782-C-A. GRCh37 (hg19) VCF-style: chr18-34232745-C-A.
Other names: c.1197-5293C>A (NM_025135.5, NM_001281739.3); short protein forms S500Y.
Identifiers: ClinVar variation 4883540 (VCV004883540.2).

ClinVar aggregate classification (germline): Uncertain significance (1 of 4 stars; one submission).

gnomAD v4.1: 1 of 1,536,028 alleles (0.000065%); no homozygotes.

Submission:

Dasa
Classification: Uncertain significance. Last evaluated: 2025-09-19. Review status: criteria provided, single submitter. Criteria: DASA Assertion Criteria. Collection method: clinical testing. Allele origin: germline.
Comment: NM_001281740.3(FHOD3):c.1499C>A (p.Ser500Tyr) is a missense variant that results in the substitution of serine with tyrosine. This variant is rare in population databases. The currently available literature and clinical evidence are not sufficient to establish a definitive association between this variant and the reported condition. Therefore, this variant is classified as a variant of uncertain significance.